The following is an entry in ClinVar:

NM_005952.4(MT1X):c.94+9A>G

Gene: MT1X (metallothionein 1X; plus strand). Cytogenetic location: 16q13.
Variant type: single nucleotide variant.
Coding change: c.94+9A>G on transcript NM_005952.4 (MANE Select); 9 bases into the intron after coding-DNA position 94, A replaced by G.
Molecular consequence: intron variant.
Genome position (GRCh38, 1-based): chr16:56,683,239, A>G. VCF-style: chr16-56683239-A-G. GRCh37 (hg19) VCF-style: chr16-56717151-A-G.
Identifiers: ClinVar variation 3058797 (VCV003058797.2), dbSNP rs746936572, ClinGen allele CA8067887.

ClinVar aggregate classification (germline): Likely benign (0 of 4 stars; one submission).

Conditions:
MT1X-related disorder. Also called: MT1X-related condition.

Allele frequency attached by ClinVar (database versions not stated): 1000 Genomes Project 30x 0.00016.

Submission:

PreventionGenetics, part of Exact Sciences
Classification: Likely benign for MT1X-related condition. Last evaluated: 2019-03-29. Review status: no assertion criteria provided. Collection method: clinical testing. Allele origin: germline.
Comment: This variant is classified as likely benign based on ACMG/AMP sequence variant interpretation guidelines (Richards et al. 2015 PMID: 25741868, with internal and published modifications).